The following is an entry in ClinVar:

NM_145059.3(FCSK):c.540G>A (p.Pro180=)

Gene: FCSK (fucose kinase; plus strand). Cytogenetic location: 16q22.1.
Variant type: single nucleotide variant.
Coding change: c.540G>A on transcript NM_145059.3 (MANE Select); coding-DNA position 540, G replaced by A.
Protein change: p.Pro180=; no amino-acid change (proline 180 retained).
Molecular consequence: synonymous variant.
Genome position (GRCh38, 1-based): chr16:70,467,429, G>A. VCF-style: chr16-70467429-G-A. GRCh37 (hg19) VCF-style: chr16-70501332-G-A.
Other names: c.540G>A (NM_145059.2).
Identifiers: ClinVar variation 2177706 (VCV002177706.6), dbSNP rs370283040, ClinGen allele CA8142976.

ClinVar aggregate classification (germline): Benign. Review status: criteria provided, single submitter (1 of 4 stars). 2 submissions from 2 submitters: Benign (1). 1 of the submissions does not count toward it. Last evaluated 2025-06-20.

Conditions:
FCSK-related disorder. Also called: FCSK-related condition.

Allele frequency attached by ClinVar (database versions not stated): ESP Exome Variant Server 0.00008; TOPMed 0.00012; gnomAD 0.00015; gnomAD exomes 0.00031; 1000 Genomes Project 0.00040; ExAC 0.00069; 1000 Genomes Project 30x 0.00078.
gnomAD v4.1: 476 of 1,610,400 alleles (0.03%); highest among the groups gnomAD compares: South Asian, 0.31%; no homozygotes.

Submissions (2):

Labcorp Genetics (formerly Invitae), Labcorp
Classification: Benign. Last evaluated: 2025-06-20. Review status: criteria provided, single submitter. Criteria: Invitae Variant Classification Sherloc (09022015). Collection method: clinical testing. Allele origin: germline.

PreventionGenetics, part of Exact Sciences
Classification: Likely benign for FCSK-related condition. Last evaluated: 2020-03-06. Review status: no assertion criteria provided. Collection method: clinical testing. Allele origin: germline. Not counted in ClinVar's aggregate classification.
Comment: This variant is classified as likely benign based on ACMG/AMP sequence variant interpretation guidelines (Richards et al. 2015 PMID: 25741868, with internal and published modifications).